The following is an entry in ClinVar:

ClinVar aggregate classification (germline): Likely benign. Review status: criteria provided, multiple submitters, no conflicts (2 of 4 stars). 6 submissions from 6 submitters: Likely benign (5). 1 of the submissions does not count toward it. Last evaluated 2026-07-01.

Conditions:
Polyglucosan body myopathy type 2. Identifiers: Orphanet 456369, MedGen C4015452, MONDO:0014526, OMIM 616199.
Glycogen storage disease XV (GSD15). Also called: GLYCOGENIN DEFICIENCY; GSD XV. Identifiers: Orphanet 263297, MedGen C3150754, MONDO:0013291, OMIM 613507.
GYG1-related disorder. Also called: GYG1-related condition.

Allele frequency attached by ClinVar (database versions not stated): 1000 Genomes Project 30x 0.00047; 1000 Genomes Project 0.00060; TOPMed 0.00104; gnomAD 0.00128 and 0.00129; ESP Exome Variant Server 0.00138; gnomAD exomes 0.00153 and 0.00200; ExAC 0.00175.
gnomAD v4.1: 3,081 of 1,613,892 alleles (0.19%); highest among the groups gnomAD compares: Non-Finnish European, 0.24%; 5 homozygotes.

Submissions (6):

CeGaT Center for Human Genetics Tuebingen
Classification: Likely benign. Last evaluated: 2026-07-01. Review status: criteria provided, single submitter. Criteria: CeGaT Center For Human Genetics Tuebingen Variant Classification Criteria Version 2. Collection method: clinical testing. Allele origin: germline. Affected: yes. Observed: 5 variant alleles.
Comment: GYG1: BP4, BS2

Labcorp Genetics (formerly Invitae), Labcorp
Classification: Likely benign for Polyglucosan body myopathy type 2; Glycogen storage disease XV. Last evaluated: 2026-01-21. Review status: criteria provided, single submitter. Criteria: Invitae Variant Classification Sherloc (09022015). Collection method: clinical testing. Allele origin: germline.

Mayo Clinic Laboratories, Mayo Clinic
Classification: Likely benign. Last evaluated: 2024-12-05. Review status: criteria provided, single submitter. Criteria: ACMG Guidelines, 2015. Collection method: clinical testing. Allele origin: germline. Observed: 7 variant alleles.
Comment: BS1, BP4

Blueprint Genetics
Classification: Likely benign. Last evaluated: 2024-11-20. Review status: criteria provided, single submitter. Criteria: ACMG Guidelines, 2015. Collection method: clinical testing. Allele origin: germline.

GeneDx
Classification: Likely benign. Last evaluated: 2019-12-30. Review status: criteria provided, single submitter. Criteria: GeneDx Variant Classification Process June 2021. Collection method: clinical testing. Allele origin: germline. Affected: yes.

PreventionGenetics, part of Exact Sciences
Classification: Likely benign for GYG1-related condition. Last evaluated: 2024-08-26. Review status: no assertion criteria provided. Collection method: clinical testing. Allele origin: germline. Not counted in ClinVar's aggregate classification.
Comment: This variant is classified as likely benign based on ACMG/AMP sequence variant interpretation guidelines (Richards et al. 2015 PMID: 25741868, with internal and published modifications).

NM_004130.4(GYG1):c.98G>A (p.Arg33Lys)

Gene: GYG1 (glycogenin 1; plus strand). Cytogenetic location: 3q24.
Variant type: single nucleotide variant.
Coding change: c.98G>A on transcript NM_004130.4 (MANE Select); coding-DNA position 98, G replaced by A.
Protein change: p.Arg33Lys; replaces arginine 33 with lysine.
Molecular consequence: missense variant.
Genome position (GRCh38, 1-based): chr3:148,994,232, G>A. VCF-style: chr3-148994232-G-A. GRCh37 (hg19) VCF-style: chr3-148712019-G-A.
Other names: p.Arg33Lys; c.98G>A, p.Arg33Lys (NM_001184720.2, NM_001184721.2); short protein forms R33K.
Identifiers: ClinVar variation 542121 (VCV000542121.50), dbSNP rs146101365, ClinGen allele CA2658455.